The following is an entry in ClinVar:

NM_005635.4(SSX1):c.561C>T (p.Asp187=)

Gene: SSX1 (SSX family member 1; plus strand). Cytogenetic location: Xp11.23.
Variant type: single nucleotide variant.
Coding change: c.561C>T on transcript NM_005635.4 (MANE Select); coding-DNA position 561, C replaced by T.
Protein change: p.Asp187=; no amino-acid change (aspartic acid 187 retained).
Molecular consequence: synonymous variant.
Genome position (GRCh38, 1-based): chrX:48,266,381, C>T. VCF-style: chrX-48266381-C-T. GRCh37 (hg19) VCF-style: chrX-48125816-C-T.
Other names: c.561C>T, p.Asp187= (NM_001278691.2); c.561C>T (NM_005635.3).
Identifiers: ClinVar variation 2660448 (VCV002660448.25), dbSNP rs199717766, ClinGen allele CA10401497.
Genomic context (GRCh38, chrX:48,266,381, plus strand): 5'-ACTGCGTGAGAGAAAGCAGCTGGTGATTTATGAAGAGATCAGTGACCCTGAGGAAGATGA[C>T]GAGTAACTCCGTAAGTGAACCTTCGGCTCACCCTCCACATCCCTGCAGATGTGCTATTCT-3'
Protein context (NP_005626.1, residues 177-188): YEEISDPEED[Asp187=]E

ClinVar aggregate classification (germline): Likely benign. Review status: criteria provided, single submitter (1 of 4 stars). 2 submissions from 2 submitters: Likely benign (1). 1 of the submissions does not count toward it. Last evaluated 2022-11-01.

Conditions:
SSX1-related disorder. Also called: SSX1-related condition.

Allele frequency attached by ClinVar (database versions not stated): TOPMed 0.00028.
gnomAD v4.1: 284 of 1,208,376 alleles (0.024%); highest among the groups gnomAD compares: Middle Eastern, 0.22%; no homozygotes.

Submissions (2):

CeGaT Center for Human Genetics Tuebingen
Classification: Likely benign. Last evaluated: 2022-11-01. Review status: criteria provided, single submitter. Criteria: CeGaT Center For Human Genetics Tuebingen Variant Classification Criteria Version 2. Collection method: clinical testing. Allele origin: germline. Affected: yes. Observed: 1 variant allele.
Comment: SSX1: BP4, BP7, BS2

PreventionGenetics, part of Exact Sciences
Classification: Likely benign for SSX1-related condition. Last evaluated: 2019-04-29. Review status: no assertion criteria provided. Collection method: clinical testing. Allele origin: germline. Not counted in ClinVar's aggregate classification.
Comment: This variant is classified as likely benign based on ACMG/AMP sequence variant interpretation guidelines (Richards et al. 2015 PMID: 25741868, with internal and published modifications).